The following is an entry in ClinVar:

NM_001166108.2(PALLD):c.578C>T (p.Pro193Leu)

Gene: PALLD (palladin, cytoskeletal associated protein; plus strand). Cytogenetic location: 4q32.3.
Variant type: single nucleotide variant.
Coding change: c.578C>T on transcript NM_001166108.2 (MANE Select); coding-DNA position 578, C replaced by T.
Protein change: p.Pro193Leu; replaces proline 193 with leucine.
Molecular consequence: missense variant.
Genome position (GRCh38, 1-based): chr4:168,512,082, C>T. VCF-style: chr4-168512082-C-T. GRCh37 (hg19) VCF-style: chr4-169433233-C-T.
Other names: c.578C>T, p.Pro193Leu (NM_016081.4); short protein forms P193L.
Identifiers: ClinVar variation 1749642 (VCV001749642.2), dbSNP rs748557650, ClinGen allele CA3135394.

ClinVar aggregate classification (germline): Uncertain significance (1 of 4 stars; one submission).

Allele frequency attached by ClinVar (database versions not stated): gnomAD exomes below 0.00001; ExAC 0.00001; gnomAD 0.00001.
gnomAD v4.1: 5 of 1,614,080 alleles (0.00031%); highest among the groups gnomAD compares: South Asian, 0.0055%; no homozygotes.

Submission:

Ambry Genetics
Classification: Uncertain significance. Last evaluated: 2024-01-31. Review status: criteria provided, single submitter. Criteria: Ambry Variant Classification Scheme 2023. Collection method: clinical testing. Allele origin: germline.
Comment: The p.P193L variant (also known as c.578C>T), located in coding exon 1 of the PALLD gene, results from a C to T substitution at nucleotide position 578. The proline at codon 193 is replaced by leucine, an amino acid with similar properties. This amino acid position is conserved. In addition, this alteration is predicted to be tolerated by in silico analysis. Since supporting evidence is limited at this time, the clinical significance of this alteration remains unclear.